The following is an entry in ClinVar:

ClinVar aggregate classification (germline): Uncertain significance. Review status: criteria provided, multiple submitters, no conflicts (2 of 4 stars). 3 submissions from 3 submitters: Uncertain significance (3). Last evaluated 2026-02-16.

Conditions:
Inborn genetic diseases. Identifiers: MedGen C0950123, MeSH D030342.

Submissions (3):

GeneDx
Classification: Uncertain significance. Last evaluated: 2026-02-16. Review status: criteria provided, single submitter. Criteria: GeneDx Variant Classification Process June 2021. Collection method: clinical testing. Allele origin: germline.
Comment: Has not been previously published as pathogenic or benign to our knowledge; Not observed at significant frequency in large population cohorts (gnomAD); In silico analysis supports that this missense variant has a deleterious effect on protein structure/function

Labcorp Genetics (formerly Invitae), Labcorp
Classification: Uncertain significance. Last evaluated: 2022-08-23. Review status: criteria provided, single submitter. Criteria: Invitae Variant Classification Sherloc (09022015). Collection method: clinical testing. Allele origin: germline.
Comment: This sequence change replaces glycine, which is neutral and non-polar, with aspartic acid, which is acidic and polar, at codon 451 of the COL9A1 protein (p.Gly451Asp). This variant is not present in population databases (gnomAD no frequency). This variant has not been reported in the literature in individuals affected with COL9A1-related conditions. ClinVar contains an entry for this variant (Variation ID: 1022755). Advanced modeling of protein sequence and biophysical properties (such as structural, functional, and spatial information, amino acid conservation, physicochemical variation, residue mobility, and thermodynamic stability) performed at Invitae indicates that this missense variant is expected to disrupt COL9A1 protein function. In summary, the available evidence is currently insufficient to determine the role of this variant in disease. Therefore, it has been classified as a Variant of Uncertain Significance.

Ambry Genetics
Classification: Uncertain significance for Inborn genetic diseases. Last evaluated: 2022-01-26. Review status: criteria provided, single submitter. Criteria: Ambry Variant Classification Scheme 2023. Collection method: clinical testing. Allele origin: germline.

NM_001851.6(COL9A1):c.1352G>A (p.Gly451Asp)

Gene: COL9A1 (collagen type IX alpha 1 chain; minus strand). Cytogenetic location: 6q13.
Variant type: single nucleotide variant.
Coding change: c.1352G>A on transcript NM_001851.6 (MANE Select); coding-DNA position 1352, G replaced by A.
Protein change: p.Gly451Asp; replaces glycine 451 with aspartic acid.
Molecular consequence: missense variant. On other transcripts: non-coding transcript variant (1).
Genome position (GRCh38, 1-based): chr6:70,263,287, C>T on the plus strand (G>A on the coding strand, the complement: COL9A1 is on the minus strand). VCF-style: chr6-70263287-C-T. GRCh37 (hg19) VCF-style: chr6-70972990-C-T.
Other names: c.1352G>A (NM_001851.4); c.623G>A, p.Gly208Asp (NM_001377289.1, NM_001377290.1, NM_078485.4); short protein forms G208D, G451D.
Identifiers: ClinVar variation 1022755 (VCV001022755.6), dbSNP rs1771811070, ClinGen allele CA364679735.